The following is an entry in ClinVar:

ClinVar aggregate classification (germline): Benign (0 of 4 stars; one submission).

Conditions:
PLA2G2A-related disorder. Also called: PLA2G2A-related condition.

Allele frequency attached by ClinVar (database versions not stated): ESP Exome Variant Server 0.06728; gnomAD 0.07800; TOPMed 0.07881; 1000 Genomes Project 30x 0.09619; 1000 Genomes Project 0.09704.
gnomAD v4.1: 149,620 of 1,613,622 alleles (9.3%); highest among the groups gnomAD compares: East Asian, 24%; 8,138 homozygotes.

Submission:

PreventionGenetics, part of Exact Sciences
Classification: Benign for PLA2G2A-related condition. Last evaluated: 2019-11-19. Review status: no assertion criteria provided. Collection method: clinical testing. Allele origin: germline.
Comment: This variant is classified as benign based on ACMG/AMP sequence variant interpretation guidelines (Richards et al. 2015 PMID: 25741868, with internal and published modifications).

NM_001395463.1(PLA2G2A):c.96G>C (p.Thr32=)

Gene: PLA2G2A (phospholipase A2 group IIA; minus strand). Cytogenetic location: 1p36.13.
Variant type: single nucleotide variant.
Coding change: c.96G>C on transcript NM_001395463.1 (MANE Select); coding-DNA position 96, G replaced by C.
Protein change: p.Thr32=; no amino-acid change (threonine 32 retained).
Molecular consequence: synonymous variant.
Genome position (GRCh38, 1-based): chr1:19,978,469, C>G on the plus strand (G>C on the coding strand, the complement: PLA2G2A is on the minus strand). VCF-style: chr1-19978469-C-G. GRCh37 (hg19) VCF-style: chr1-20304962-C-G.
Other names: c.96G>C, p.Thr32= (NM_000300.4, NM_001161727.2, NM_001161728.2 and 1 more transcripts).
Identifiers: ClinVar variation 3059119 (VCV003059119.2), dbSNP rs2236771, ClinGen allele CA658052.